The following is an entry in ClinVar:

ClinVar aggregate classification (germline): Pathogenic/Likely pathogenic. Review status: criteria provided, multiple submitters, no conflicts (2 of 4 stars). 5 submissions from 5 submitters: Pathogenic (2); Likely pathogenic (3). Last evaluated 2025-08-01.

Conditions:
Fanconi anemia (FA). Also called: Fanconi's anemia. Identifiers: Orphanet 84, MedGen C0015625, MeSH D005199, MONDO:0019391.
Fanconi anemia complementation group A (FANCA). Also called: Fanconi anemia, group A; FANCA-Related Fanconi Anemia. Identifiers: Orphanet 84, MedGen C3469521, MONDO:0009215, OMIM 227650.

Submissions (5):

CeGaT Center for Human Genetics Tuebingen
Classification: Pathogenic. Last evaluated: 2025-08-01. Review status: criteria provided, single submitter. Criteria: CeGaT Center For Human Genetics Tuebingen Variant Classification Criteria Version 2. Collection method: clinical testing. Allele origin: germline. Affected: yes. Observed: 1 variant allele.
Comment: FANCA: PVS1, PM2

Natera, Inc.
Classification: Likely pathogenic for Fanconi anemia. Last evaluated: 2025-06-19. Review status: criteria provided, single submitter. Criteria: Natera Variant Classification Schema (03/2026). Collection method: clinical testing. Allele origin: germline.
Comment: The c.3500T>A variant in FANCA is a nonsense variant predicted to introduce a stop codon at amino acid 1167. This variant is expected to result in nonsense mediated decay, truncation, or a dysfunctional protein product. This variant is rare in the general population with a frequency below the threshold expected for the associated phenotype(s). Given the available evidence, this variant is classified as Likely Pathogenic.

Labcorp Genetics (formerly Invitae), Labcorp
Classification: Pathogenic for Fanconi anemia. Last evaluated: 2023-10-19. Review status: criteria provided, single submitter. Criteria: Invitae Variant Classification Sherloc (09022015). Collection method: clinical testing. Allele origin: germline.
Comment: This sequence change creates a premature translational stop signal (p.Leu1167*) in the FANCA gene. It is expected to result in an absent or disrupted protein product. Loss-of-function variants in FANCA are known to be pathogenic (PMID: 19367192). This variant is not present in population databases (gnomAD no frequency). This variant has not been reported in the literature in individuals affected with FANCA-related conditions. ClinVar contains an entry for this variant (Variation ID: 983704). For these reasons, this variant has been classified as Pathogenic.

Fulgent Genetics
Classification: Likely pathogenic for Fanconi anemia complementation group A. Last evaluated: 2021-08-10. Review status: criteria provided, single submitter. Criteria: ACMG Guidelines, 2015. Collection method: clinical testing. Allele origin: unknown.

Myriad Genetics, Inc.
Classification: Likely pathogenic for Fanconi anemia complementation group A. Last evaluated: 2019-07-13. Review status: criteria provided, single submitter. Criteria: Myriad Women's Health Autosomal Recessive and X-Linked Classification Criteria (2019). Collection method: clinical testing. Allele origin: unknown.
Comment: NM_000135.2(FANCA):c.3500T>A(L1167*) is expected to be pathogenic in the context of Fanconi anemia complementation group A. This variant is predicted to lead to an abnormal or absent protein product due to the creation of a premature termination codon in FANCA, a gene where loss-of-function variants are known to be pathogenic. Please note: this variant was assessed in the context of healthy population screening.

Literature cited by the submitters: PubMed 19367192 (cited by Labcorp Genetics (formerly Invitae), Labcorp).

NM_000135.4(FANCA):c.3500T>A (p.Leu1167Ter)

Gene: FANCA (FA complementation group A; minus strand). Cytogenetic location: 16q24.3.
Variant type: single nucleotide variant.
Coding change: c.3500T>A on transcript NM_000135.4 (MANE Select); coding-DNA position 3500, T replaced by A.
Protein change: p.Leu1167Ter; replaces leucine 1167 with a stop codon.
Molecular consequence: nonsense.
Genome position (GRCh38, 1-based): chr16:89,746,597, A>T on the plus strand (T>A on the coding strand, the complement: FANCA is on the minus strand). VCF-style: chr16-89746597-A-T. GRCh37 (hg19) VCF-style: chr16-89813005-A-T.
Other names: c.3500T>A, p.Leu1167Ter (NM_001286167.3); c.3500T>A (NM_000135.3); short protein forms L1167*.
Identifiers: ClinVar variation 983704 (VCV000983704.16), dbSNP rs2038398856, ClinGen allele CA397485840.